The following is an entry in ClinVar:

ClinVar aggregate classification (germline): Uncertain significance. Review status: criteria provided, single submitter (1 of 4 stars). 2 submissions from 2 submitters: Uncertain significance (1). 1 of the submissions does not count toward it. Last evaluated 2025-10-20.

Conditions:
Gorlin syndrome. Also called: Nevoid Basal Cell Carcinoma Syndrome; Basal cell nevus syndrome. Identifiers: Orphanet 377, MedGen C0004779, MONDO:0007187.
Duplication of the pituitary gland. Identifiers: Orphanet 314621, MedGen C4755258, MONDO:0017808.

gnomAD v4.1: 1 of 1,614,138 alleles (0.000062%); highest among the groups gnomAD compares: Non-Finnish European, 0.000085%; no homozygotes.

Submissions (3):

Labcorp Genetics (formerly Invitae), Labcorp
Classification: Uncertain significance for Gorlin syndrome. Last evaluated: 2025-10-20. Review status: criteria provided, single submitter. Criteria: Invitae Variant Classification Sherloc (09022015). Collection method: clinical testing. Allele origin: germline.
Comment: This sequence change affects a donor splice site in intron 12 of the PTCH2 gene. It is expected to disrupt RNA splicing. Variants that disrupt the donor or acceptor splice site typically lead to a loss of protein function (PMID: 16199547), however the current clinical and genetic evidence is not sufficient to establish whether loss-of-function variants in PTCH2 cause disease. This variant is not present in population databases (gnomAD no frequency). Disruption of this splice site has been observed in individual(s) with duplication of the pituitary gland-plus syndrome (PMID: 40803816). ClinVar contains an entry for this variant (Variation ID: 3381175). Algorithms developed to predict the effect of sequence changes on RNA splicing suggest that this variant may disrupt the consensus splice site. In summary, the available evidence is currently insufficient to determine the role of this variant in disease. Therefore, it has been classified as a Variant of Uncertain Significance.

Department of Pediatrics, Division of Medical Genetics, Faculty of Medicine Ramathibodi Hospital, Mahidol University
Classification: Uncertain significance for Duplication of the pituitary gland. Last evaluated: 2024-11-14. Review status: no assertion criteria provided. Collection method: research. Allele origin: germline. Inheritance: Sporadic. Affected: yes. Observed: 1 heterozygote. Not counted in ClinVar's aggregate classification.
Comment: Genetic defect underling DPG Plus Syndrome is not known. The variant c.1590+1G>A identified in our patient resulted in abnormal splicing, based on mRNA analysis.

Dr. Peter K. Rogan Lab, Western University
No classification provided (evidence only). Condition: Ovarian cancer. Review status: no classification provided. Collection method: in vitro. Allele origin: not applicable. Functional consequence: skipped exon. Not counted in ClinVar's aggregate classification.

Literature cited by the submitters: PubMed 16199547 (cited by Labcorp Genetics (formerly Invitae), Labcorp); PubMed 40803816 (cited by Labcorp Genetics (formerly Invitae), Labcorp).

NM_003738.5(PTCH2):c.1590+1G>A

Gene: PTCH2 (patched 2; minus strand). Cytogenetic location: 1p34.1.
Variant type: single nucleotide variant.
Coding change: c.1590+1G>A on transcript NM_003738.5 (MANE Select); the canonical splice donor site of the intron after coding-DNA position 1590, G replaced by A.
Molecular consequence: splice donor variant.
Genome position (GRCh38, 1-based): chr1:44,828,505, C>T on the plus strand (G>A on the coding strand, the complement: PTCH2 is on the minus strand). VCF-style: chr1-44828505-C-T. GRCh37 (hg19) VCF-style: chr1-45294177-C-T.
Other names: NC_000001.10:g.45294177C>T; c.1590+1G>A (NM_001166292.2).
Identifiers: ClinVar variation 3381175 (VCV003381175.3).